The following is an entry in ClinVar:

ClinVar aggregate classification (germline): Uncertain significance (1 of 4 stars; one submission).

Conditions:
Inborn genetic diseases. Identifiers: MedGen C0950123, MeSH D030342.

Submission:

Ambry Genetics
Classification: Uncertain significance for Hereditary disease. Last evaluated: 2017-10-10. Review status: criteria provided, single submitter. Criteria: ambry_reporting_categories_2017. Collection method: clinical testing. Allele origin: germline. Affected: yes. Observed: 1 heterozygote. Segregation with disease observed.
Comment: Lines of evidence used in support of classification: UNCERTAIN: Alteration(s) of Uncertain Clinical Significance Detected

Literature cited by the submitters: PubMed 23033978; PubMed 25356899; PubMed 21522184; PubMed 26325558; PubMed 26264232; PubMed 26757981.

NM_016628.5(WAC):c.1894C>T (p.Gln632Ter)

Gene: WAC (WW domain containing adaptor with coiled-coil; plus strand). Cytogenetic location: 10p12.1.
Variant type: single nucleotide variant.
Coding change: c.1894C>T on transcript NM_016628.5 (MANE Select); coding-DNA position 1894, C replaced by T.
Protein change: p.Gln632Ter; replaces glutamine 632 with a stop codon.
Molecular consequence: nonsense.
Genome position (GRCh38, 1-based): chr10:28,619,556, C>T. VCF-style: chr10-28619556-C-T. GRCh37 (hg19) VCF-style: chr10-28908485-C-T.
Other names: c.1759C>T, p.Gln587Ter (NM_100264.3); c.1585C>T, p.Gln529Ter (NM_100486.4); short protein forms Q587*, Q632*, Q529*.
Identifiers: ClinVar variation 522062 (VCV000522062.3), dbSNP rs1554792667, ClinGen allele CA376400766.